The following is an entry in ClinVar:

ClinVar aggregate classification (germline): Uncertain significance (1 of 4 stars; one submission).

Submission:

Labcorp Genetics (formerly Invitae), Labcorp
Classification: Uncertain significance. Last evaluated: 2022-05-14. Review status: criteria provided, single submitter. Criteria: Invitae Variant Classification Sherloc (09022015). Collection method: clinical testing. Allele origin: germline.
Comment: This sequence change replaces alanine, which is neutral and non-polar, with aspartic acid, which is acidic and polar, at codon 446 of the SLC39A8 protein (p.Ala446Asp). This variant is not present in population databases (gnomAD no frequency). This variant has not been reported in the literature in individuals affected with SLC39A8-related conditions. Algorithms developed to predict the effect of missense changes on protein structure and function are either unavailable or do not agree on the potential impact of this missense change (SIFT: "Deleterious"; PolyPhen-2: "Possibly Damaging"; Align-GVGD: "Class C15"). In summary, the available evidence is currently insufficient to determine the role of this variant in disease. Therefore, it has been classified as a Variant of Uncertain Significance.

NM_001135146.2(SLC39A8):c.1337C>A (p.Ala446Asp)

Gene: SLC39A8 (solute carrier family 39 member 8; minus strand). Cytogenetic location: 4q24.
Variant type: single nucleotide variant.
Coding change: c.1337C>A on transcript NM_001135146.2 (MANE Select); coding-DNA position 1337, C replaced by A.
Protein change: p.Ala446Asp; replaces alanine 446 with aspartic acid.
Molecular consequence: missense variant. On other transcripts: intron variant (1).
Genome position (GRCh38, 1-based): chr4:102,263,090, G>T on the plus strand (C>A on the coding strand, the complement: SLC39A8 is on the minus strand). VCF-style: chr4-102263090-G-T. GRCh37 (hg19) VCF-style: chr4-103184247-G-T.
Other names: c.1136C>A, p.Ala379Asp (NM_001135148.2); c.1337C>A, p.Ala446Asp (NM_022154.5); c.1266+71C>A (NM_001135147.1); short protein forms A446D, A379D.
Identifiers: ClinVar variation 1994321 (VCV001994321.1), dbSNP rs2476332715, ClinGen allele CA357749132.
Genomic context (GRCh38, chr4:102,263,090, plus strand): 5'-TCTTCCATTTTCTATTACTCCAATTCGATTTCTCCTGCATACAAGGTAATGAGTAGAATG[G>T]CTGTGAATCCAGTTAACATTCCAGCATTCTGAATCATGAAGAAGGTGAAATCGGTTTTTC-3'
Protein context (NP_001128618.1, residues 436-456): QNAGMLTGFT[Ala446Asp]ILLITLYAGE